The following is an entry in ClinVar:

NM_000257.4(MYH7):c.1848G>A (p.Leu616=)

Gene: MYH7 (myosin heavy chain 7; minus strand). Cytogenetic location: 14q11.2.
Variant type: single nucleotide variant.
Coding change: c.1848G>A on transcript NM_000257.4 (MANE Select); coding-DNA position 1848, G replaced by A.
Protein change: p.Leu616=; no amino-acid change (leucine 616 retained).
Molecular consequence: synonymous variant.
Genome position (GRCh38, 1-based): chr14:23,427,625, C>T on the plus strand (G>A on the coding strand, the complement: MYH7 is on the minus strand). VCF-style: chr14-23427625-C-T. GRCh37 (hg19) VCF-style: chr14-23896834-C-T.
Other names: c.1848G>A, p.Leu616= (NM_001407004.1).
Identifiers: ClinVar variation 1949435 (VCV001949435.8), dbSNP rs1595085241, ClinGen allele CA485767129.
Genomic context (GRCh38, chr14:23,427,625, plus strand): 5'-GAGCCTCAGTCCCTACTTACGCGCATCAGCCCCAGCATAGTTGGCAAACAGGGTGCTGAG[C>T]AGCTTGAGGGAAGACTTCTGATACAAGCCCACGACAGTCTCATTGAGAGGATCCTTGTTC-3'
Protein context (NP_000248.2, residues 606-626): VGLYQKSSLK[Leu616=]LSTLFANYAG

ClinVar aggregate classification (germline): Likely benign. Review status: criteria provided, multiple submitters, no conflicts (2 of 4 stars). 3 submissions from 3 submitters: Likely benign (3). Last evaluated 2023-11-25.

Conditions:
Cardiovascular phenotype. Identifiers: MedGen CN230736.
Cardiomyopathy (CMYO). Also called: Cardiomyopathies. Identifiers: Orphanet 167848, MedGen C0878544, MONDO:0004994, HP:0001638. Inheritance: Various modes of inheritance.
Hypertrophic cardiomyopathy. Also called: HYPERTROPHIC MYOCARDIOPATHY. Identifiers: Orphanet 217569, MedGen C0007194, MeSH D002312, MONDO:0005045, HP:0001639.

Allele frequency attached by ClinVar (database versions not stated): gnomAD exomes below 0.00001.
gnomAD v4.1: 2 of 1,614,178 alleles (0.00012%); highest among the groups gnomAD compares: Non-Finnish European, 0.00017%; no homozygotes.

Submissions (3):

Labcorp Genetics (formerly Invitae), Labcorp
Classification: Likely benign for Hypertrophic cardiomyopathy. Last evaluated: 2023-11-25. Review status: criteria provided, single submitter. Criteria: Invitae Variant Classification Sherloc (09022015). Collection method: clinical testing. Allele origin: germline.

All of Us Research Program, National Institutes of Health
Classification: Likely benign for Cardiomyopathy. Last evaluated: 2023-06-26. Review status: criteria provided, single submitter. Criteria: ACMG Guidelines, 2015. Collection method: clinical testing. Allele origin: germline. Inheritance: Autosomal dominant inheritance. Observed: 2 variant alleles, 2 heterozygotes.
Comment: This study involves interpretation of variants in research participants for the purpose of population health screening. Participant phenotype was not available at the time of variant classification. Additional details can be found in publication PMID: 35346344, PMCID: PMC8962531

Ambry Genetics
Classification: Likely benign for Cardiovascular phenotype. Last evaluated: 2023-06-14. Review status: criteria provided, single submitter. Criteria: Ambry Variant Classification Scheme 2023. Collection method: clinical testing. Allele origin: germline.